The following is an entry in ClinVar:

ClinVar aggregate classification (germline): Uncertain significance. Review status: criteria provided, multiple submitters, no conflicts (2 of 4 stars). 3 submissions from 3 submitters: Uncertain significance (2). 1 of the submissions does not count toward it. Last evaluated 2025-06-19.

Conditions:
TNFRSF6B-related disorder. Also called: TNFRSF6B-related condition.

Allele frequency attached by ClinVar (database versions not stated): ExAC 0.00003; gnomAD exomes 0.00006; ESP Exome Variant Server 0.00008.

Submissions (3):

Labcorp Genetics (formerly Invitae), Labcorp
Classification: Uncertain significance. Last evaluated: 2025-06-19. Review status: criteria provided, single submitter. Criteria: Invitae Variant Classification Sherloc (09022015). Collection method: clinical testing. Allele origin: germline.
Comment: This sequence change replaces arginine, which is basic and polar, with tryptophan, which is neutral and slightly polar, at codon 39 of the TNFRSF6B protein (p.Arg39Trp). This variant is present in population databases (rs367883678, gnomAD 0.01%). This variant has not been reported in the literature in individuals affected with TNFRSF6B-related conditions. ClinVar contains an entry for this variant (Variation ID: 2153792). An algorithm developed to predict the effect of missense changes on protein structure and function outputs the following: PolyPhen-2: "Benign". The tryptophan amino acid residue is found in multiple mammalian species, which suggests that this missense change does not adversely affect protein function. In summary, the available evidence is currently insufficient to determine the role of this variant in disease. Therefore, it has been classified as a Variant of Uncertain Significance.

Ambry Genetics
Classification: Uncertain significance. Last evaluated: 2021-08-02. Review status: criteria provided, single submitter. Criteria: Ambry Variant Classification Scheme 2023. Collection method: clinical testing. Allele origin: germline.

PreventionGenetics, part of Exact Sciences
Classification: Uncertain significance for TNFRSF6B-related condition. Last evaluated: 2024-09-19. Review status: no assertion criteria provided. Collection method: clinical testing. Allele origin: germline. Not counted in ClinVar's aggregate classification.
Comment: The TNFRSF6B c.115C>T variant is predicted to result in the amino acid substitution p.Arg39Trp. To our knowledge, this variant has not been reported in the literature. This variant is reported in 0.011% of alleles in individuals of Latino descent in gnomAD. At this time, the clinical significance of this variant is uncertain due to the absence of conclusive functional and genetic evidence.

NM_003823.4(TNFRSF6B):c.115C>T (p.Arg39Trp)

Genes: RTEL1-TNFRSF6B (RTEL1-TNFRSF6B readthrough (NMD candidate); plus strand), TNFRSF6B (TNF receptor superfamily member 6b; plus strand). Cytogenetic location: 20q13.33.
Variant type: single nucleotide variant.
Coding change: c.115C>T on transcript NM_003823.4 (MANE Select); coding-DNA position 115, C replaced by T.
Protein change: p.Arg39Trp; replaces arginine 39 with tryptophan.
Molecular consequence: missense variant. On other transcripts: non-coding transcript variant (1).
Genome position (GRCh38, 1-based): chr20:63,696,882, C>T. VCF-style: chr20-63696882-C-T. GRCh37 (hg19) VCF-style: chr20-62328235-C-T.
Other names: short protein forms R39W.
Identifiers: ClinVar variation 2153792 (VCV002153792.6), dbSNP rs367883678, ClinGen allele CA9966321.